The following is an entry in ClinVar:

ClinVar aggregate classification (germline): Likely pathogenic (1 of 4 stars; one submission).

Conditions:
Intellectual developmental disorder, X-linked 112 (XLID112). Identifiers: MedGen C5829589, MONDO:0957496, OMIM 301111.

Submission:

Greenwood Genetic Center Diagnostic Laboratories, Greenwood Genetic Center
Classification: Likely pathogenic for Intellectual developmental disorder, X-linked 112. Last evaluated: 2024-08-19. Review status: criteria provided, single submitter. Criteria: ACMG Guidelines, 2015. Collection method: clinical testing. Allele origin: germline. Affected: yes.
Comment: PS2, PM2, PP2, PP3

NM_201599.3(ZMYM3):c.3622C>T (p.Leu1208Phe)

Gene: ZMYM3 (zinc finger MYM-type containing 3; minus strand). Cytogenetic location: Xq13.1.
Variant type: single nucleotide variant.
Coding change: c.3622C>T on transcript NM_201599.3 (MANE Select); coding-DNA position 3622, C replaced by T.
Protein change: p.Leu1208Phe; replaces leucine 1208 with phenylalanine.
Molecular consequence: missense variant.
Genome position (GRCh38, 1-based): chrX:71,242,350, G>A on the plus strand (C>T on the coding strand, the complement: ZMYM3 is on the minus strand). VCF-style: chrX-71242350-G-A. GRCh37 (hg19) VCF-style: chrX-70462200-G-A.
Other names: c.3586C>T, p.Leu1196Phe (NM_001171162.1); c.3622C>T, p.Leu1208Phe (NM_005096.3); short protein forms L1196F, L1208F.
Identifiers: ClinVar variation 3765597 (VCV003765597.1).
Genomic context (GRCh38, chrX:71,242,350, plus strand): 5'-GTTCCTCAGCTGTCTGCAGCCCAAAAAACTTAGTGTTGAAGAACATGAGGGTGTTGAGGA[G>A]GACAAAGGGCGAGTAGACCCCCAGTTGCTTACACTCCCAGAGGTGCTCCTCCTCCACTCG-3'
Protein context (NP_963893.1, residues 1198-1218): KQLGVYSPFV[Leu1208Phe]LNTLMFFNTK